The following is an entry in ClinVar:

ClinVar aggregate classification (germline): Uncertain significance. Review status: criteria provided, multiple submitters, no conflicts (2 of 4 stars). 5 submissions from 5 submitters: Uncertain significance (5). Last evaluated 2026-01-01.

Conditions:
Autosomal recessive polycystic kidney disease (ARPKD). Also called: AR polycystic kidney disease. Identifiers: Orphanet 731, Orphanet 8378, MedGen C0085548, MeSH D017044, MONDO:0009889.
Polycystic kidney disease 4 (PKD4). Also called: POLYCYSTIC KIDNEY AND HEPATIC DISEASE 1; POLYCYSTIC KIDNEY DISEASE, INFANTILE, TYPE I; POLYCYSTIC KIDNEY DISEASE 4 WITH OR WITHOUT POLYCYSTIC LIVER DISEASE; PKD3; Autosomal Recessive Polycystic Kidney Disease – PKHD1. Identifiers: MedGen C4540575, MONDO:0033004, OMIM 263200.

Allele frequency attached by ClinVar (database versions not stated): TOPMed 0.00003; gnomAD exomes 0.00004; gnomAD 0.00005 and 0.00006; ExAC 0.00006; 1000 Genomes Project 30x 0.00031; 1000 Genomes Project 0.00040.
gnomAD v4.1: 54 of 1,614,134 alleles (0.0033%); highest among the groups gnomAD compares: East Asian, 0.0045%; no homozygotes.

Submissions (5):

CeGaT Center for Human Genetics Tuebingen
Classification: Uncertain significance. Last evaluated: 2026-01-01. Review status: criteria provided, single submitter. Criteria: CeGaT Center For Human Genetics Tuebingen Variant Classification Criteria Version 2. Collection method: clinical testing. Allele origin: germline. Affected: yes. Observed: 1 variant allele.
Comment: PKHD1: PM2, BP4

Labcorp Genetics (formerly Invitae), Labcorp
Classification: Uncertain significance for Autosomal recessive polycystic kidney disease. Last evaluated: 2025-12-19. Review status: criteria provided, single submitter. Criteria: Invitae Variant Classification Sherloc (09022015). Collection method: clinical testing. Allele origin: germline.
Comment: This sequence change replaces arginine, which is basic and polar, with glutamine, which is neutral and polar, at codon 1422 of the PKHD1 protein (p.Arg1422Gln). This variant is present in population databases (rs557773345, gnomAD 0.006%). This variant has not been reported in the literature in individuals affected with PKHD1-related conditions. ClinVar contains an entry for this variant (Variation ID: 908247). Invitae Evidence Modeling of protein sequence and biophysical properties (such as structural, functional, and spatial information, amino acid conservation, physicochemical variation, residue mobility, and thermodynamic stability) indicates that this missense variant is not expected to disrupt PKHD1 protein function with a negative predictive value of 95%. In summary, the available evidence is currently insufficient to determine the role of this variant in disease. Therefore, it has been classified as a Variant of Uncertain Significance.

Blueprint Genetics
Classification: Uncertain significance. Last evaluated: 2024-11-24. Review status: criteria provided, single submitter. Criteria: ACMG Guidelines, 2015. Collection method: clinical testing. Allele origin: germline.

Fulgent Genetics
Classification: Uncertain significance for Polycystic kidney disease 4. Last evaluated: 2022-05-14. Review status: criteria provided, single submitter. Criteria: ACMG Guidelines, 2015. Collection method: clinical testing. Allele origin: unknown.

Illumina Laboratory Services, Illumina
Classification: Uncertain significance for Polycystic kidney disease 4. Last evaluated: 2018-01-13. Review status: criteria provided, single submitter. Criteria: ICSL Variant Classification Criteria 13 December 2019. Collection method: clinical testing. Allele origin: germline.

NM_138694.4(PKHD1):c.4265G>A (p.Arg1422Gln)

Gene: PKHD1 (PKHD1 ciliary IPT domain containing fibrocystin/polyductin; minus strand). Cytogenetic location: 6p12.2.
Variant type: single nucleotide variant.
Coding change: c.4265G>A on transcript NM_138694.4 (MANE Select); coding-DNA position 4265, G replaced by A.
Protein change: p.Arg1422Gln; replaces arginine 1422 with glutamine.
Molecular consequence: missense variant.
Genome position (GRCh38, 1-based): chr6:52,025,545, C>T on the plus strand (G>A on the coding strand, the complement: PKHD1 is on the minus strand). VCF-style: chr6-52025545-C-T. GRCh37 (hg19) VCF-style: chr6-51890343-C-T.
Other names: c.4265G>A, p.Arg1422Gln (NM_170724.3); short protein forms R1422Q.
Identifiers: ClinVar variation 908247 (VCV000908247.13), dbSNP rs557773345, ClinGen allele CA3852749.